The following is an entry in ClinVar:

NM_002941.4(ROBO1):c.4803C>T (p.Pro1601=)

Gene: ROBO1 (roundabout guidance receptor 1; minus strand). Cytogenetic location: 3p12.3.
Variant type: single nucleotide variant.
Coding change: c.4803C>T on transcript NM_002941.4 (MANE Select); coding-DNA position 4803, C replaced by T.
Protein change: p.Pro1601=; no amino-acid change (proline 1601 retained).
Molecular consequence: synonymous variant.
Genome position (GRCh38, 1-based): chr3:78,600,251, G>A on the plus strand (C>T on the coding strand, the complement: ROBO1 is on the minus strand). VCF-style: chr3-78600251-G-A. GRCh37 (hg19) VCF-style: chr3-78649401-G-A.
Other names: c.4503C>T, p.Pro1501= (NM_001145845.2); c.4668C>T, p.Pro1556= (NM_133631.4).
Identifiers: ClinVar variation 736441 (VCV000736441.11), dbSNP rs143961156, ClinGen allele CA2497953.

ClinVar aggregate classification (germline): Likely benign. Review status: criteria provided, multiple submitters, no conflicts (2 of 4 stars). 3 submissions from 3 submitters: Likely benign (2). 1 of the submissions does not count toward it. Last evaluated 2025-09-15.

Conditions:
ROBO1-related disorder. Also called: ROBO1-related condition.

Allele frequency attached by ClinVar (database versions not stated): ESP Exome Variant Server 0.00008; gnomAD 0.00008 and 0.00010; TOPMed 0.00010; gnomAD exomes 0.00013 and 0.00018; ExAC 0.00017; 1000 Genomes Project 30x 0.00047; 1000 Genomes Project 0.00060.
gnomAD v4.1: 212 of 1,613,218 alleles (0.013%); highest among the groups gnomAD compares: Middle Eastern, 0.13%; no homozygotes.

Submissions (3):

Labcorp Genetics (formerly Invitae), Labcorp
Classification: Likely benign. Last evaluated: 2025-09-15. Review status: criteria provided, single submitter. Criteria: Invitae Variant Classification Sherloc (09022015). Collection method: clinical testing. Allele origin: germline.

Breakthrough Genomics
Classification: Likely benign. Review status: criteria provided, single submitter. Criteria: ACMG Guidelines, 2015. Collection method: not provided. Allele origin: germline. Inheritance: Unknown mechanism. Affected: yes.

PreventionGenetics, part of Exact Sciences
Classification: Likely benign for ROBO1-related condition. Last evaluated: 2019-05-15. Review status: no assertion criteria provided. Collection method: clinical testing. Allele origin: germline. Not counted in ClinVar's aggregate classification.
Comment: This variant is classified as likely benign based on ACMG/AMP sequence variant interpretation guidelines (Richards et al. 2015 PMID: 25741868, with internal and published modifications).